The following is an entry in ClinVar:

NM_022552.5(DNMT3A):c.2309C>T (p.Ser770Leu)

Gene: DNMT3A (DNA methyltransferase 3 alpha; minus strand). Cytogenetic location: 2p23.3.
Variant type: single nucleotide variant.
Coding change: c.2309C>T on transcript NM_022552.5 (MANE Select); coding-DNA position 2309, C replaced by T.
Protein change: p.Ser770Leu; replaces serine 770 with leucine.
Molecular consequence: missense variant. On other transcripts: non-coding transcript variant (1).
Genome position (GRCh38, 1-based): chr2:25,240,315, G>A on the plus strand (C>T on the coding strand, the complement: DNMT3A is on the minus strand). VCF-style: chr2-25240315-G-A. GRCh37 (hg19) VCF-style: chr2-25463184-G-A.
Other names: c.1853C>T, p.Ser618Leu (NM_001320893.1); c.1640C>T, p.Ser547Leu (NM_001375819.1); c.1742C>T, p.Ser581Leu (NM_153759.3); c.2309C>T, p.Ser770Leu (NM_175629.2); short protein forms S581L, S618L, S770L, S547L.
Identifiers: ClinVar variation 644499 (VCV000644499.21), dbSNP rs758845779, ClinGen allele CA1555660.

ClinVar aggregate classification (germline): Conflicting classifications of pathogenicity. Review status: criteria provided, conflicting classifications (1 of 4 stars). 3 submissions from 3 submitters: Pathogenic (2); Uncertain significance (1). Last evaluated 2025-02-20.

Conditions:
DNMT3A-related disorder. Also called: DNMT3A-related disorders; DNMT3A-related condition.
Tatton-Brown-Rahman overgrowth syndrome. Also called: Tatton-Brown-Rahman syndrome; Tall stature-intellectual disability-facial dysmorphism syndrome. Identifiers: Orphanet 404443, MedGen C4014545, MONDO:0014382, OMIM 615879.

Allele frequency attached by ClinVar (database versions not stated): gnomAD exomes 0.00003; 1000 Genomes Project 30x 0.00016.
gnomAD v4.1: 28 of 1,614,054 alleles (0.0017%); highest among the groups gnomAD compares: East Asian, 0.0045%; no homozygotes.

Submissions (3):

GeneDx
Classification: Pathogenic. Last evaluated: 2025-02-20. Review status: criteria provided, single submitter. Criteria: GeneDx Variant Classification Process June 2021. Collection method: clinical testing. Allele origin: germline. Affected: yes.
Comment: In silico analysis supports that this missense variant has a deleterious effect on protein structure/function; This variant is associated with the following publications: (PMID: 32269971, 32994141, 31091831, 32457355, 34504700, 29900417, 38484196, 38657098, 35236052, 35982159, 33057194, 39804667)

PreventionGenetics, part of Exact Sciences
Classification: Uncertain significance for DNMT3A-related condition. Last evaluated: 2024-12-02. Review status: criteria provided, single submitter. Criteria: ACMG Guidelines, 2015. Collection method: clinical testing. Allele origin: germline.
Comment: The DNMT3A c.2309C>T variant is predicted to result in the amino acid substitution p.Ser770Leu. This variant has been reported in the de novo heterozygous state in an individual with Tatton-Brown-Rahman syndrome (Tatton-Brown et al. 2018. PubMed ID: 29900417). This variant has also been reported in cohort studies with DNMT3A-related disorders (Supplementary Table 1, Kaplanis et al. 2020. PubMed ID: 33057194; Supplementary Data 3, Zhou et al. 2022. PubMed ID: 35982159). Of note, somatic acquired variant has been detected in lymphocytes and associated with myeloproliferative neoplasms, acute myeloid leukemia, and clonal hematopoiesis (see for example, Hoang and Rui. 2020. PubMed ID: 32994141; Dold et al. 2021. PubMed ID: 34504700; Gillis et al. 2024. PubMed ID: 38657098). This variant is reported in 0.0062% of alleles in individuals of African descent in gnomAD. Although we suspect that this variant may be pathogenic, at this time, the clinical significance of this variant is uncertain due to the absence of conclusive functional and genetic evidence.

Labcorp Genetics (formerly Invitae), Labcorp
Classification: Pathogenic for Tatton-Brown-Rahman overgrowth syndrome. Last evaluated: 2024-05-12. Review status: criteria provided, single submitter. Criteria: Invitae Variant Classification Sherloc (09022015). Collection method: clinical testing. Allele origin: germline.
Comment: This sequence change replaces serine, which is neutral and polar, with leucine, which is neutral and non-polar, at codon 770 of the DNMT3A protein (p.Ser770Leu). This variant is present in population databases (rs758845779, gnomAD 0.007%). This missense change has been observed in individual(s) with clinical features of Tatton-Brown-Rahman syndrome (PMID: 29900417; external communication). In at least one individual the variant was observed to be de novo. ClinVar contains an entry for this variant (Variation ID: 644499). Advanced modeling of protein sequence and biophysical properties (such as structural, functional, and spatial information, amino acid conservation, physicochemical variation, residue mobility, and thermodynamic stability) performed at Invitae indicates that this missense variant is expected to disrupt DNMT3A protein function with a positive predictive value of 80%. For these reasons, this variant has been classified as Pathogenic.

Literature cited by the submitters: PubMed 29900417 (cited by Labcorp Genetics (formerly Invitae), Labcorp).